The following is an entry in ClinVar:

NM_001364171.2(ODAD1):c.1826T>A (p.Leu609Ter)

Gene: ODAD1 (outer dynein arm docking complex subunit 1; minus strand). Cytogenetic location: 19q13.33.
Variant type: single nucleotide variant.
Coding change: c.1826T>A on transcript NM_001364171.2 (MANE Select); coding-DNA position 1826, T replaced by A.
Protein change: p.Leu609Ter; replaces leucine 609 with a stop codon.
Molecular consequence: nonsense.
Genome position (GRCh38, 1-based): chr19:48,297,274, A>T on the plus strand (T>A on the coding strand, the complement: ODAD1 is on the minus strand). VCF-style: chr19-48297274-A-T. GRCh37 (hg19) VCF-style: chr19-48800531-A-T.
Other names: c.1715T>A, p.Leu572Ter (NM_144577.4); short protein forms L572*, L609*.
Identifiers: ClinVar variation 5006011 (VCV005006011.2), dbSNP rs755564329.
Genomic context (GRCh38, chr19:48,297,274, plus strand): 5'-CTGGTGGAGCCGAAGGTCACGTGGCCAGTGTTGGGGTCACCGTGCGTGATGTGGCTGGGC[A>T]AATGCCCAGTGCTGGAGCTGAGGCCGCCAAAAGTGACGTGGCCAAGAGAGCCACGGTCTC-3'

ClinVar aggregate classification (germline): Uncertain significance (1 of 4 stars; one submission).

Conditions:
Primary ciliary dyskinesia 20. Also called: CILIARY DYSKINESIA, PRIMARY, 20, WITH OR WITHOUT SITUS INVERSUS. Identifiers: Orphanet 244, MedGen C3540844, MONDO:0014030, OMIM 615067.

gnomAD v4.1: 14 of 1,613,890 alleles (0.00087%); highest among the groups gnomAD compares: East Asian, 0.031%; no homozygotes.

Submission:

Juno Genomics, Hangzhou Juno Genomics, Inc
Classification: Uncertain significance for Primary ciliary dyskinesia 20. Review status: criteria provided, single submitter. Criteria: ACMG Guidelines, 2015. Collection method: clinical testing. Allele origin: germline.
Comment: Null variant in a gene where loss of function (LOF) is a known mechanism of disease.;Absent from controls (or at extremely low frequency if recessive) in Genome Aggregation Database.